The following is an entry in ClinVar:

ClinVar aggregate classification (germline): Uncertain significance. Review status: criteria provided, multiple submitters, no conflicts (2 of 4 stars). 3 submissions from 3 submitters: Uncertain significance (3). Last evaluated 2024-12-30.

Conditions:
Autism, susceptibility to, 15. Also called: Autism susceptibility 15. Identifiers: MedGen C2677504, MONDO:0012801, OMIM 612100.
Cortical dysplasia-focal epilepsy syndrome (PTHSL1). Also called: Pitt-Hopkins-like syndrome 1. Identifiers: Orphanet 163681, Orphanet 221150, MedGen C2750246, MONDO:0012400, OMIM 610042.

Allele frequency attached by ClinVar (database versions not stated): TOPMed below 0.00001; gnomAD 0.00001; ExAC 0.00003; gnomAD exomes 0.00004 and 0.00008.
gnomAD v4.1: 111 of 1,612,450 alleles (0.0069%); highest among the groups gnomAD compares: East Asian, 0.24%; 1 homozygote.

Submissions (3):

Women's Health and Genetics/Laboratory Corporation of America, LabCorp
Classification: Uncertain significance. Last evaluated: 2024-12-30. Review status: criteria provided, single submitter. Criteria: LabCorp Variant Classification Summary - May 2015. Collection method: clinical testing. Allele origin: germline.
Comment: Variant summary: CNTNAP2 c.1620G>C (p.Lys540Asn) results in a non-conservative amino acid change located in the Laminin G domain profile (IPR002181) of the encoded protein sequence. Four of five in-silico tools predict a benign effect of the variant on protein function. The variant allele was found at a frequency of 4e-05 in 250984 control chromosomes. This frequency is not significantly higher than estimated for a pathogenic variant in CNTNAP2 causing Autism, Susceptibility To, 15, allowing no conclusion about variant significance. To our knowledge, no occurrence of c.1620G>C in individuals affected with Autism, Susceptibility To, 15 and no experimental evidence demonstrating its impact on protein function have been reported. ClinVar contains an entry for this variant (Variation ID: 844085). Based on the evidence outlined above, the variant was classified as uncertain significance.

Fulgent Genetics
Classification: Uncertain significance for Cortical dysplasia-focal epilepsy syndrome; Autism, susceptibility to, 15. Last evaluated: 2024-02-26. Review status: criteria provided, single submitter. Criteria: ACMG Guidelines, 2015. Collection method: clinical testing. Allele origin: germline.

Labcorp Genetics (formerly Invitae), Labcorp
Classification: Uncertain significance for Cortical dysplasia-focal epilepsy syndrome. Last evaluated: 2022-03-20. Review status: criteria provided, single submitter. Criteria: Invitae Variant Classification Sherloc (09022015). Collection method: clinical testing. Allele origin: germline.
Comment: This sequence change replaces lysine, which is basic and polar, with asparagine, which is neutral and polar, at codon 540 of the CNTNAP2 protein (p.Lys540Asn). This variant is present in population databases (rs750957376, gnomAD 0.06%). This variant has not been reported in the literature in individuals affected with CNTNAP2-related conditions. ClinVar contains an entry for this variant (Variation ID: 844085). Algorithms developed to predict the effect of missense changes on protein structure and function (SIFT, PolyPhen-2, Align-GVGD) all suggest that this variant is likely to be tolerated. In summary, the available evidence is currently insufficient to determine the role of this variant in disease. Therefore, it has been classified as a Variant of Uncertain Significance.

NM_014141.6(CNTNAP2):c.1620G>C (p.Lys540Asn)

Gene: CNTNAP2 (contactin associated protein 2; plus strand). Cytogenetic location: 7q35.
Variant type: single nucleotide variant.
Coding change: c.1620G>C on transcript NM_014141.6 (MANE Select); coding-DNA position 1620, G replaced by C.
Protein change: p.Lys540Asn; replaces lysine 540 with asparagine.
Molecular consequence: missense variant.
Genome position (GRCh38, 1-based): chr7:147,395,730, G>C. VCF-style: chr7-147395730-G-C. GRCh37 (hg19) VCF-style: chr7-147092822-G-C.
Other names: short protein forms K540N.
Identifiers: ClinVar variation 844085 (VCV000844085.7), dbSNP rs750957376, ClinGen allele CA4546122.